The following is an entry in ClinVar:

NM_145728.3(SYNM):c.2948C>T (p.Ser983Phe)

Gene: SYNM (synemin; plus strand). Cytogenetic location: 15q26.3.
Variant type: single nucleotide variant.
Coding change: c.2948C>T on transcript NM_145728.3 (MANE Select); coding-DNA position 2948, C replaced by T.
Protein change: p.Ser983Phe; replaces serine 983 with phenylalanine.
Molecular consequence: missense variant.
Genome position (GRCh38, 1-based): chr15:99,131,308, C>T. VCF-style: chr15-99131308-C-T. GRCh37 (hg19) VCF-style: chr15-99671513-C-T.
Other names: c.2948C>T, p.Ser983Phe (NM_015286.6); short protein forms S983F.
Identifiers: ClinVar variation 2458887 (VCV002458887.4), dbSNP rs2543117482, ClinGen allele CA393665321.
Genomic context (GRCh38, chr15:99,131,308, plus strand): 5'-GCATGAGGGAGGAGCTGTCCGCCCTCACCAGAGAGGGGCAGGGTGGGCCGGGGAGCGTTT[C>T]CGTGGATGTCAAGAAGGTCCAGGGTGCTGGTGGCAGTTCCGTGACCCTGGTTGCTGAAGT-3'
Protein context (NP_663780.2, residues 973-993): REGQGGPGSV[Ser983Phe]VDVKKVQGAG

ClinVar aggregate classification (germline): Conflicting classifications of pathogenicity. Review status: criteria provided, conflicting classifications (1 of 4 stars). 2 submissions from 2 submitters: Uncertain significance (1); Likely benign (1). Last evaluated 2025-06-17.

Conditions:
SYNM-related disorder. Also called: SYNM-related condition.

Submissions (2):

Ambry Genetics
Classification: Uncertain significance. Last evaluated: 2025-06-17. Review status: criteria provided, single submitter. Criteria: Ambry Variant Classification Scheme 2023. Collection method: clinical testing. Allele origin: germline.

PreventionGenetics, part of Exact Sciences
Classification: Likely benign for SYNM-related condition. Last evaluated: 2019-03-20. Review status: criteria provided, single submitter. Criteria: ACMG Guidelines, 2015. Collection method: clinical testing. Allele origin: germline.
Comment: This variant is classified as likely benign based on ACMG/AMP sequence variant interpretation guidelines (Richards et al. 2015 PMID: 25741868, with internal and published modifications).